The following is an entry in ClinVar:

NM_001369.3(DNAH5):c.11168T>A (p.Leu3723Gln)

Gene: DNAH5 (dynein axonemal heavy chain 5; minus strand). Cytogenetic location: 5p15.2.
Variant type: single nucleotide variant.
Coding change: c.11168T>A on transcript NM_001369.3 (MANE Select); coding-DNA position 11168, T replaced by A.
Protein change: p.Leu3723Gln; replaces leucine 3723 with glutamine.
Molecular consequence: missense variant.
Genome position (GRCh38, 1-based): chr5:13,751,121, A>T on the plus strand (T>A on the coding strand, the complement: DNAH5 is on the minus strand). VCF-style: chr5-13751121-A-T. GRCh37 (hg19) VCF-style: chr5-13751230-A-T.
Other names: short protein forms L3723Q.
Identifiers: ClinVar variation 454729 (VCV000454729.14), dbSNP rs1554033862, ClinGen allele CA359188897.
Genomic context (GRCh38, chr5:13,751,121, plus strand): 5'-AGCCACACTTCACTCACCTGCTTCTCTGTGAGAATGACCCTCCCCAGTAACTGATCTTCT[A>T]GACCTTTCATGGTGACAGTGAAGTCAATGATGGAGGTACGGGCACTTATCTCAGGGGTGT-3'
Protein context (NP_001360.1, residues 3713-3733): IIDFTVTMKG[Leu3723Gln]EDQLLGRVIL

ClinVar aggregate classification (germline): Conflicting classifications of pathogenicity. Review status: criteria provided, conflicting classifications (1 of 4 stars). 3 submissions from 3 submitters: Likely pathogenic (1); Uncertain significance (1). 1 of the submissions does not count toward it. Last evaluated 2024-04-26.

Conditions:
Primary ciliary dyskinesia. Also called: Ciliary dyskinesia. Identifiers: Orphanet 244, MedGen C0008780, MONDO:0016575, HP:0012265.

gnomAD v4.1: 1 of 1,614,038 alleles (0.000062%); no homozygotes.

Submissions (3):

Women's Health and Genetics/Laboratory Corporation of America, LabCorp
Classification: Uncertain significance. Last evaluated: 2024-04-26. Review status: criteria provided, single submitter. Criteria: LabCorp Variant Classification Summary - May 2015. Collection method: clinical testing. Allele origin: germline.
Comment: Variant summary: DNAH5 c.11168T>A (p.Leu3723Gln) results in a non-conservative amino acid change located in the Dynein heavy chain, ATP-binding dynein motor region (IPR035706) of the encoded protein sequence. Five of five in-silico tools predict a damaging effect of the variant on protein function. The variant was absent in 251268 control chromosomes. The available data on variant occurrences in the general population are insufficient to allow any conclusion about variant significance. To our knowledge, no occurrence of c.11168T>A in individuals affected with Primary ciliary dyskinesia 3 and no experimental evidence demonstrating its impact on protein function have been reported in the literature. ClinVar contains an entry for this variant (Variation ID: 454729). Based on the evidence outlined above, the variant was classified as uncertain significance.

Labcorp Genetics (formerly Invitae), Labcorp
Classification: Likely pathogenic for Primary ciliary dyskinesia. Last evaluated: 2023-05-31. Review status: criteria provided, single submitter. Criteria: Invitae Variant Classification Sherloc (09022015). Collection method: clinical testing. Allele origin: germline.
Comment: This variant is not present in population databases (gnomAD no frequency). This sequence change replaces leucine, which is neutral and non-polar, with glutamine, which is neutral and polar, at codon 3723 of the DNAH5 protein (p.Leu3723Gln). In summary, the currently available evidence indicates that the variant is pathogenic, but additional data are needed to prove that conclusively. Therefore, this variant has been classified as Likely Pathogenic. Advanced modeling of protein sequence and biophysical properties (such as structural, functional, and spatial information, amino acid conservation, physicochemical variation, residue mobility, and thermodynamic stability) has been performed at Invitae for this missense variant, however the output from this modeling did not meet the statistical confidence thresholds required to predict the impact of this variant on DNAH5 protein function. ClinVar contains an entry for this variant (Variation ID: 454729). This missense change has been observed in individual(s) with clinical features of primary ciliary dyskinesia (Invitae). In at least one individual the data is consistent with being in trans (on the opposite chromosome) from a pathogenic variant.

Natera, Inc.
Classification: Uncertain significance for Primary ciliary dyskinesia. Last evaluated: 2020-02-26. Review status: no assertion criteria provided. Collection method: clinical testing. Allele origin: germline. Not counted in ClinVar's aggregate classification.